The following is an entry in ClinVar:

NM_005228.5(EGFR):c.1477A>G (p.Asn493Asp)

Gene: EGFR (epidermal growth factor receptor; plus strand). Cytogenetic location: 7p11.2.
Variant type: single nucleotide variant.
Coding change: c.1477A>G on transcript NM_005228.5 (MANE Select); coding-DNA position 1477, A replaced by G.
Protein change: p.Asn493Asp; replaces asparagine 493 with aspartic acid.
Molecular consequence: missense variant.
Genome position (GRCh38, 1-based): chr7:55,160,317, A>G. VCF-style: chr7-55160317-A-G. GRCh37 (hg19) VCF-style: chr7-55228010-A-G.
Other names: c.1342A>G, p.Asn448Asp (NM_001346897.2, NM_001346899.2); c.1477A>G, p.Asn493Asp (NM_001346898.2, NM_201282.2, NM_201284.2); c.1318A>G, p.Asn440Asp (NM_001346900.2); c.676A>G, p.Asn226Asp (NM_001346941.2); short protein forms N493D, N440D, N226D, N448D.
Identifiers: ClinVar variation 2046904 (VCV002046904.4), dbSNP rs1785633233, ClinGen allele CA367579695.

ClinVar aggregate classification (germline): Uncertain significance (1 of 4 stars; one submission).

Conditions:
EGFR-related lung cancer (EGFR). Identifiers: MedGen CN130014.

Allele frequency attached by ClinVar (database versions not stated): gnomAD exomes below 0.00001.
gnomAD v4.1: 1 of 1,613,506 alleles (0.000062%); highest among the groups gnomAD compares: Non-Finnish European, 0.000085%; no homozygotes.

Submission:

Labcorp Genetics (formerly Invitae), Labcorp
Classification: Uncertain significance for EGFR-related lung cancer. Last evaluated: 2022-05-05. Review status: criteria provided, single submitter. Criteria: Invitae Variant Classification Sherloc (09022015). Collection method: clinical testing. Allele origin: germline.
Comment: This variant has not been reported in the literature in individuals affected with EGFR-related conditions. In summary, the available evidence is currently insufficient to determine the role of this variant in disease. Therefore, it has been classified as a Variant of Uncertain Significance. Algorithms developed to predict the effect of missense changes on protein structure and function are either unavailable or do not agree on the potential impact of this missense change (SIFT: "Deleterious"; PolyPhen-2: "Probably Damaging"; Align-GVGD: "Class C0"). This variant is not present in population databases (gnomAD no frequency). This sequence change replaces asparagine, which is neutral and polar, with aspartic acid, which is acidic and polar, at codon 493 of the EGFR protein (p.Asn493Asp).